The following is an entry in ClinVar:

ClinVar aggregate classification (germline): Uncertain significance. Review status: criteria provided, multiple submitters, no conflicts (2 of 4 stars). 2 submissions from 2 submitters: Uncertain significance (2). Last evaluated 2024-12-20.

Conditions:
DiGeorge syndrome. Also called: THIRD AND FOURTH PHARYNGEAL POUCH SYNDROME; Catch22. Identifiers: Orphanet 567, MedGen C0012236, MONDO:0008564, OMIM 188400.
Cardiovascular phenotype. Identifiers: MedGen CN230736.

Submissions (2):

Ambry Genetics
Classification: Uncertain significance for Cardiovascular phenotype. Last evaluated: 2024-12-20. Review status: criteria provided, single submitter. Criteria: Ambry Variant Classification Scheme 2023. Collection method: clinical testing. Allele origin: germline.
Comment: The p.G88D variant (also known as c.263G>A), located in coding exon 2 of the TBX1 gene, results from a G to A substitution at nucleotide position 263. The glycine at codon 88 is replaced by aspartic acid, an amino acid with similar properties. This amino acid position is conserved. In addition, this alteration is predicted to be tolerated by in silico analysis. Based on the available evidence, the clinical significance of this variant remains unclear.

Labcorp Genetics (formerly Invitae), Labcorp
Classification: Uncertain significance for DiGeorge syndrome. Last evaluated: 2022-08-30. Review status: criteria provided, single submitter. Criteria: Invitae Variant Classification Sherloc (09022015). Collection method: clinical testing. Allele origin: germline.
Comment: In summary, the available evidence is currently insufficient to determine the role of this variant in disease. Therefore, it has been classified as a Variant of Uncertain Significance. Algorithms developed to predict the effect of missense changes on protein structure and function are either unavailable or do not agree on the potential impact of this missense change (SIFT: "Deleterious"; PolyPhen-2: "Not Available"; Align-GVGD: "Class C0"). This variant has not been reported in the literature in individuals affected with TBX1-related conditions. This variant is not present in population databases (gnomAD no frequency). This sequence change replaces glycine, which is neutral and non-polar, with aspartic acid, which is acidic and polar, at codon 88 of the TBX1 protein (p.Gly88Asp).

NM_001379200.1(TBX1):c.290G>A (p.Gly97Asp)

Gene: TBX1 (T-box transcription factor 1; plus strand). Cytogenetic location: 22q11.21.
Variant type: single nucleotide variant.
Coding change: c.290G>A on transcript NM_001379200.1 (MANE Select); coding-DNA position 290, G replaced by A.
Protein change: p.Gly97Asp; replaces glycine 97 with aspartic acid.
Molecular consequence: missense variant.
Genome position (GRCh38, 1-based): chr22:19,761,133, G>A. VCF-style: chr22-19761133-G-A. GRCh37 (hg19) VCF-style: chr22-19748656-G-A.
Other names: c.263G>A, p.Gly88Asp (NM_005992.1, NM_080646.2, NM_080647.1); short protein forms G88D, G97D.
Identifiers: ClinVar variation 2164524 (VCV002164524.5), dbSNP rs1936645860, ClinGen allele CA410681544.